The following is an entry in ClinVar:

ClinVar aggregate classification (germline): Benign/Likely benign. Review status: criteria provided, multiple submitters, no conflicts (2 of 4 stars). 3 submissions from 3 submitters: Benign (1); Likely benign (2). Last evaluated 2025-04-18.

Conditions:
Fanconi anemia complementation group J. Also called: BRIP1-Related Fanconi Anemia. Identifiers: Orphanet 84, MedGen C1836860, MONDO:0012187, OMIM 609054.
Familial cancer of breast. Also called: hereditary breast carcinoma; BREAST CANCER, FAMILIAL; Hereditary breast cancer. Identifiers: Orphanet 227535, MedGen C0346153, MONDO:0016419, OMIM 114480. Disease mechanism: loss of function.
Hereditary cancer-predisposing syndrome. Also called: Hereditary neoplastic syndrome; Neoplastic Syndromes, Hereditary; Tumor predisposition; Hereditary Cancer Syndrome. Identifiers: Orphanet 140162, MedGen C0027672, MeSH D009386, MONDO:0015356.

Submissions (3):

Ambry Genetics
Classification: Likely benign for Hereditary cancer-predisposing syndrome. Last evaluated: 2025-04-18. Review status: criteria provided, single submitter. Criteria: Ambry Variant Classification Scheme 2023. Collection method: clinical testing. Allele origin: germline.

Labcorp Genetics (formerly Invitae), Labcorp
Classification: Likely benign for Familial cancer of breast; Fanconi anemia complementation group J. Last evaluated: 2024-10-06. Review status: criteria provided, single submitter. Criteria: Invitae Variant Classification Sherloc (09022015). Collection method: clinical testing. Allele origin: germline.

Myriad Genetics, Inc.
Classification: Benign for Familial cancer of breast. Last evaluated: 2024-09-10. Review status: criteria provided, single submitter. Criteria: Myriad Autosomal Dominant, Autosomal Recessive and X-Linked Classification Criteria (2023). Collection method: clinical testing. Allele origin: unknown.
Comment: This variant is considered benign. This variant is a silent/synonymous amino acid change and it is not expected to impact splicing.

NM_032043.3(BRIP1):c.3357A>G (p.Arg1119=)

Gene: BRIP1 (BRCA1 interacting DNA helicase 1; minus strand). Cytogenetic location: 17q23.2.
Variant type: single nucleotide variant.
Coding change: c.3357A>G on transcript NM_032043.3 (MANE Select); coding-DNA position 3357, A replaced by G.
Protein change: p.Arg1119=; no amino-acid change (arginine 1119 retained).
Molecular consequence: synonymous variant.
Genome position (GRCh38, 1-based): chr17:61,683,689, T>C on the plus strand (A>G on the coding strand, the complement: BRIP1 is on the minus strand). VCF-style: chr17-61683689-T-C. GRCh37 (hg19) VCF-style: chr17-59761050-T-C.
Identifiers: ClinVar variation 1979804 (VCV001979804.6), dbSNP rs2144079053, ClinGen allele CA501335115.
Genomic context (GRCh38, chr17:61,683,689, plus strand): 5'-AGGATCATAAAGTTCAGGTGTAAAATAGATAGATTCATCTTCTGCTTCTGTTTCAAAATC[T>C]CTATTTGAAGTGGACTGTTTATCTTCTTCACTTACTAGAGACAATTCAATGTCTGGATCC-3'
Protein context (NP_114432.2, residues 1109-1129): SEEDKQSTSN[Arg1119=]DFETEAEDES